The following is an entry in ClinVar:

NM_002076.4(GNS):c.916C>G (p.Leu306Val)

Gene: GNS (glucosamine (N-acetyl)-6-sulfatase; minus strand). Cytogenetic location: 12q14.3.
Variant type: single nucleotide variant.
Coding change: c.916C>G on transcript NM_002076.4 (MANE Select); coding-DNA position 916, C replaced by G.
Protein change: p.Leu306Val; replaces leucine 306 with valine.
Molecular consequence: missense variant.
Genome position (GRCh38, 1-based): chr12:64,739,459, G>C on the plus strand (C>G on the coding strand, the complement: GNS is on the minus strand). VCF-style: chr12-64739459-G-C. GRCh37 (hg19) VCF-style: chr12-65133239-G-C.
Other names: short protein forms L306V.
Identifiers: ClinVar variation 1994161 (VCV001994161.4), dbSNP rs763169200, ClinGen allele CA385607988.
Genomic context (GRCh38, chr12:64,739,459, plus strand): 5'-CTGAGGTATAGAAGATGTAAGTGTTGTTGAGCTCCCCAGTGAACTCCAGCCTCTTGACCA[G>C]TTTCTCCACAAGGTCATCAACTGAGAGGAGAGTTTGCCACCTGGATGTGAACAGAAGGTA-3'
Protein context (NP_002067.1, residues 296-316): LLSVDDLVEK[Leu306Val]VKRLEFTGEL

ClinVar aggregate classification (germline): Uncertain significance (1 of 4 stars; one submission).

Conditions:
Mucopolysaccharidosis, MPS-III-D (MPS3D). Also called: N-ACETYLGLUCOSAMINE-6-SULFATASE DEFICIENCY; SANFILIPPO SYNDROME D; MPS III D; Mucopoly-saccharidosis type 3D; N-acetylglucosamine-6-sulfate sulfatase deficiency; MPS 3D. Identifiers: Orphanet 581, Orphanet 79272, MedGen C0086650, MONDO:0009658, OMIM 252940.

Submission:

Labcorp Genetics (formerly Invitae), Labcorp
Classification: Uncertain significance for Mucopolysaccharidosis, MPS-III-D. Last evaluated: 2022-05-22. Review status: criteria provided, single submitter. Criteria: Invitae Variant Classification Sherloc (09022015). Collection method: clinical testing. Allele origin: germline.
Comment: This variant has not been reported in the literature in individuals affected with GNS-related conditions. In summary, the available evidence is currently insufficient to determine the role of this variant in disease. Therefore, it has been classified as a Variant of Uncertain Significance. Algorithms developed to predict the effect of missense changes on protein structure and function are either unavailable or do not agree on the potential impact of this missense change (SIFT: "Deleterious"; PolyPhen-2: "Benign"; Align-GVGD: "Class C25"). This variant is not present in population databases (gnomAD no frequency). This sequence change replaces leucine, which is neutral and non-polar, with valine, which is neutral and non-polar, at codon 306 of the GNS protein (p.Leu306Val).